The following is an entry in ClinVar:

NM_001384140.1(PCDH15):c.2223A>G (p.Ala741=)

Gene: PCDH15 (protocadherin related 15; minus strand). Cytogenetic location: 10q21.1.
Variant type: single nucleotide variant.
Coding change: c.2223A>G on transcript NM_001384140.1 (MANE Select); coding-DNA position 2223, A replaced by G.
Protein change: p.Ala741=; no amino-acid change (alanine 741 retained).
Molecular consequence: synonymous variant.
Genome position (GRCh38, 1-based): chr10:54,023,195, T>C on the plus strand (A>G on the coding strand, the complement: PCDH15 is on the minus strand). VCF-style: chr10-54023195-T-C. GRCh37 (hg19) VCF-style: chr10-55782955-T-C.
Other names: c.2238A>G, p.Ala746= (NM_001142763.2, NM_001142771.2); c.2223A>G, p.Ala741= (NM_001142764.2, NM_001142766.2, NM_001142770.3 and 5 more transcripts); c.2010A>G, p.Ala670= (NM_001142765.2); c.2112A>G, p.Ala704= (NM_001142767.2); c.2157A>G, p.Ala719= (NM_001142768.2, NM_001142773.2, NM_001354404.2); c.2259A>G, p.Ala753= (NM_001142769.4); c.2244A>G, p.Ala748= (NM_001354411.2).
Identifiers: ClinVar variation 714455 (VCV000714455.17), dbSNP rs201332784, ClinGen allele CA5506067.

ClinVar aggregate classification (germline): Likely benign. Review status: criteria provided, multiple submitters, no conflicts (2 of 4 stars). 4 submissions from 4 submitters: Likely benign (3). 1 of the submissions does not count toward it. Last evaluated 2026-01-25.

Conditions:
PCDH15-related disorder. Also called: PCDH15-related disorders; PCDH15-related condition.

Allele frequency attached by ClinVar (database versions not stated): ExAC 0.00004; ESP Exome Variant Server 0.00008; gnomAD 0.00021; 1000 Genomes Project 30x 0.00031; TOPMed 0.00031; 1000 Genomes Project 0.00040.
gnomAD v4.1: 56 of 1,613,112 alleles (0.0035%); highest among the groups gnomAD compares: African/African-American, 0.052%; no homozygotes.

Submissions (4):

Labcorp Genetics (formerly Invitae), Labcorp
Classification: Likely benign. Last evaluated: 2026-01-25. Review status: criteria provided, single submitter. Criteria: Invitae Variant Classification Sherloc (09022015). Collection method: clinical testing. Allele origin: germline.

Blueprint Genetics
Classification: Likely benign. Last evaluated: 2022-02-15. Review status: criteria provided, single submitter. Criteria: ACMG Guidelines, 2015. Collection method: clinical testing. Allele origin: germline.

GeneDx
Classification: Likely benign. Last evaluated: 2020-09-14. Review status: criteria provided, single submitter. Criteria: GeneDx Variant Classification Process June 2021. Collection method: clinical testing. Allele origin: germline. Affected: yes.

PreventionGenetics, part of Exact Sciences
Classification: Likely benign for PCDH15-related condition. Last evaluated: 2019-04-04. Review status: no assertion criteria provided. Collection method: clinical testing. Allele origin: germline. Not counted in ClinVar's aggregate classification.
Comment: This variant is classified as likely benign based on ACMG/AMP sequence variant interpretation guidelines (Richards et al. 2015 PMID: 25741868, with internal and published modifications).